The following is an entry in ClinVar:

NM_001606.5(ABCA2):c.6664C>T (p.Arg2222Trp)

Gene: ABCA2 (ATP binding cassette subfamily A member 2; minus strand). Cytogenetic location: 9q34.3.
Variant type: single nucleotide variant.
Coding change: c.6664C>T on transcript NM_001606.5 (MANE Select); coding-DNA position 6664, C replaced by T.
Protein change: p.Arg2222Trp; replaces arginine 2222 with tryptophan.
Molecular consequence: missense variant.
Genome position (GRCh38, 1-based): chr9:137,009,611, G>A on the plus strand (C>T on the coding strand, the complement: ABCA2 is on the minus strand). VCF-style: chr9-137009611-G-A. GRCh37 (hg19) VCF-style: chr9-139904063-G-A.
Other names: c.6661C>T, p.Arg2221Trp (NM_001411042.1); c.6754C>T, p.Arg2252Trp (NM_212533.3); short protein forms R2221W, R2222W, R2252W.
Identifiers: ClinVar variation 4857664 (VCV004857664.1).

ClinVar aggregate classification (germline): Uncertain significance (1 of 4 stars; one submission).

Conditions:
Intellectual developmental disorder with poor growth and with or without seizures or ataxia. Identifiers: MedGen C5394135, MONDO:0032930, OMIM 618808.

gnomAD v4.1: 4 of 1,612,950 alleles (0.00025%); highest among the groups gnomAD compares: South Asian, 0.0011%; no homozygotes.

Submission:

Harry Perkins Institute Of Medical Research, University Of Western Australia
Classification: Uncertain significance for Intellectual developmental disorder with poor growth and with or without seizures or ataxia. Last evaluated: 2026-03-24. Review status: criteria provided, single submitter. Criteria: ACMG Guidelines, 2015. Collection method: research. Allele origin: germline. Inheritance: Autosomal recessive inheritance. Affected: yes. Observed: 1 variant allele.
Comment: PP3_Moderate (AlphaMissense = 0.986 is between 0.926 and 0.992 ⇒ moderate pathogenic.), PM2_Supporting (Variant not found in gnomAD genomes, good gnomAD genomes coverage = 33.9. GnomAD exomes homozygous allele count = 0 is less than 2 for AR gene ABCA2, good gnomAD exomes coverage = 61.9.), BP1_Supporting (22 out of 22 non-VUS missense variants in gene ABCA2 are benign = 100.0% which is more than threshold of 56.9%.)